The following is an entry in ClinVar:

ClinVar aggregate classification (germline): Likely benign. Review status: criteria provided, multiple submitters, no conflicts (2 of 4 stars). 2 submissions from 2 submitters: Likely benign (2). Last evaluated 2018-06-16.

Allele frequency attached by ClinVar (database versions not stated): gnomAD exomes 0.00096; gnomAD 0.01065 and 0.01154; 1000 Genomes Project 0.01098; TOPMed 0.01118; 1000 Genomes Project 30x 0.01156.
gnomAD v4.1: 2,592 of 1,120,732 alleles (0.23%); highest among the groups gnomAD compares: African/African-American, 3.6%; 42 homozygotes.

Submissions (2):

GeneDx
Classification: Likely benign. Last evaluated: 2018-06-16. Review status: criteria provided, single submitter. Criteria: GeneDx Variant Classification (06012015). Collection method: clinical testing. Allele origin: germline. Affected: yes.
Comment: This variant is considered likely benign or benign based on one or more of the following criteria: it is a conservative change, it occurs at a poorly conserved position in the protein, it is predicted to be benign by multiple in silico algorithms, and/or has population frequency not consistent with disease.

Breakthrough Genomics
Classification: Likely benign. Review status: criteria provided, single submitter. Criteria: ACMG Guidelines, 2015. Collection method: not provided. Allele origin: germline. Inheritance: Autosomal dominant inheritance. Affected: yes.

NM_005751.5(AKAP9):c.10607+109T>C

Gene: AKAP9 (A-kinase anchoring protein 9; plus strand). Cytogenetic location: 7q21.2.
Variant type: single nucleotide variant.
Coding change: c.10607+109T>C on transcript NM_005751.5 (MANE Select); 109 bases into the intron after coding-DNA position 10607, T replaced by C.
Molecular consequence: intron variant.
Genome position (GRCh38, 1-based): chr7:92,097,903, T>C. VCF-style: chr7-92097903-T-C. GRCh37 (hg19) VCF-style: chr7-91727217-T-C.
Other names: c.10583+109T>C (NM_147185.3); c.5252+109T>C (NM_001379277.1).
Identifiers: ClinVar variation 674647 (VCV000674647.2), dbSNP rs114708485, ClinGen allele CA161897638.